The following is an entry in ClinVar:

ClinVar aggregate classification (germline): Uncertain significance (1 of 4 stars; one submission).

gnomAD v4.1: 7 of 1,530,510 alleles (0.00046%); highest among the groups gnomAD compares: Non-Finnish European, 0.00061%; no homozygotes.

Submission:

GeneDx
Classification: Uncertain significance. Last evaluated: 2024-06-10. Review status: criteria provided, single submitter. Criteria: GeneDx Variant Classification Process June 2021. Collection method: clinical testing. Allele origin: germline. Affected: yes.
Comment: In silico analysis supports that this missense variant has a deleterious effect on protein structure/function; Has not been previously published as pathogenic or benign to our knowledge

NM_001394372.1(BICRA):c.1193C>T (p.Thr398Met)

Gene: BICRA (BRD4 interacting chromatin remodeling complex associated protein; plus strand). Cytogenetic location: 19q13.33.
Variant type: single nucleotide variant.
Coding change: c.1193C>T on transcript NM_001394372.1 (MANE Select); coding-DNA position 1193, C replaced by T.
Protein change: p.Thr398Met; replaces threonine 398 with methionine.
Molecular consequence: missense variant.
Genome position (GRCh38, 1-based): chr19:47,680,363, C>T. VCF-style: chr19-47680363-C-T. GRCh37 (hg19) VCF-style: chr19-48183620-C-T.
Other names: c.1193C>T, p.Thr398Met (NM_015711.3); short protein forms T398M.
Identifiers: ClinVar variation 3390839 (VCV003390839.1).